The following is an entry in ClinVar:

NM_024408.4(NOTCH2):c.4758A>T (p.Glu1586Asp)

Gene: NOTCH2 (notch receptor 2; minus strand). Cytogenetic location: 1p12.
Variant type: single nucleotide variant.
Coding change: c.4758A>T on transcript NM_024408.4 (MANE Select); coding-DNA position 4758, A replaced by T.
Protein change: p.Glu1586Asp; replaces glutamic acid 1586 with aspartic acid.
Molecular consequence: missense variant.
Genome position (GRCh38, 1-based): chr1:119,923,738, T>A on the plus strand (A>T on the coding strand, the complement: NOTCH2 is on the minus strand). VCF-style: chr1-119923738-T-A. GRCh37 (hg19) VCF-style: chr1-120466361-T-A.
Other names: short protein forms E1586D.
Identifiers: ClinVar variation 4771334 (VCV004771334.2).
Genomic context (GRCh38, chr1:119,923,738, plus strand): 5'-TGTCATCCTCTGTTTCTTCATAGCAGCTGACTTCTCACCATAATAGGGGTACACCATGAG[T>A]TCCCCCTGGGAGTCCCGCTTAATGCGCAGGTTGGTGTGGAGCAGGGTACCCAGTGCCCGC-3'
Protein context (NP_077719.2, residues 1576-1596): NLRIKRDSQG[Glu1586Asp]LMVYPYYGEK

ClinVar aggregate classification (germline): Conflicting classifications of pathogenicity. Review status: criteria provided, conflicting classifications (1 of 4 stars). 2 submissions from 2 submitters: Uncertain significance (1); Likely benign (1). Last evaluated 2025-03-22.

Conditions:
Hajdu-Cheney syndrome (HJCYS). Also called: ACROOSTEOLYSIS WITH OSTEOPOROSIS AND CHANGES IN SKULL AND MANDIBLE; SERPENTINE FIBULA-POLYCYSTIC KIDNEY SYNDROME; Acroosteolysis dominant type. Identifiers: Orphanet 955, MedGen C0917715, MONDO:0007057, OMIM 102500.

gnomAD v4.1: 19 of 1,614,048 alleles (0.0012%); highest among the groups gnomAD compares: Non-Finnish European, 0.0015%; no homozygotes.

Submissions (2):

Labcorp Genetics (formerly Invitae), Labcorp
Classification: Uncertain significance for Hajdu-Cheney syndrome. Last evaluated: 2025-03-22. Review status: criteria provided, single submitter. Criteria: Invitae Variant Classification Sherloc (09022015). Collection method: clinical testing. Allele origin: germline.
Comment: This sequence change replaces glutamic acid, which is acidic and polar, with aspartic acid, which is acidic and polar, at codon 1586 of the NOTCH2 protein (p.Glu1586Asp). This variant is not present in population databases (gnomAD no frequency). This variant has not been reported in the literature in individuals affected with NOTCH2-related conditions. Invitae Evidence Modeling of protein sequence and biophysical properties (such as structural, functional, and spatial information, amino acid conservation, physicochemical variation, residue mobility, and thermodynamic stability) indicates that this missense variant is not expected to disrupt NOTCH2 protein function with a negative predictive value of 80%. In summary, the available evidence is currently insufficient to determine the role of this variant in disease. Therefore, it has been classified as a Variant of Uncertain Significance.

Blueprint Genetics
Classification: Likely benign. Last evaluated: 2019-08-27. Review status: criteria provided, single submitter. Criteria: ACMG Guidelines, 2015. Collection method: clinical testing. Allele origin: germline.